The following is an entry in ClinVar:

NM_001079668.3(NKX2-1):c.524C>A (p.Ser175Ter)

Genes: NKX2-1 (NK2 homeobox 1; minus strand), SFTA3 (surfactant associated 3; minus strand). Cytogenetic location: 14q13.3.
Variant type: single nucleotide variant.
Coding change: c.524C>A on transcript NM_001079668.3 (MANE Select); coding-DNA position 524, C replaced by A.
Protein change: p.Ser175Ter; replaces serine 175 with a stop codon.
Molecular consequence: nonsense.
Genome position (GRCh38, 1-based): chr14:36,517,960, G>T on the plus strand (C>A on the coding strand, the complement: NKX2-1 is on the minus strand). VCF-style: chr14-36517960-G-T. GRCh37 (hg19) VCF-style: chr14-36987165-G-T.
Other names: c.434C>A, p.Ser145Ter (NM_003317.4); short protein forms S175*, S145*.
Identifiers: ClinVar variation 217884 (VCV000217884.11), dbSNP rs863225300, ClinGen allele CA279650.

ClinVar aggregate classification (germline): Pathogenic. Review status: criteria provided, multiple submitters, no conflicts (2 of 4 stars). 5 submissions from 5 submitters: Pathogenic (4). 1 of the submissions does not count toward it. Last evaluated 2025-03-04.

Conditions:
Brain-lung-thyroid syndrome. Also called: Choreoathetosis, Congenital Hypothyroidism, and Neonatal Respiratory Distress Syndrome (Brain-Lung-Thyroid Syndrome); Choreoathetosis, congenital hypothyroidism, and neonatal respiratory distress; CHOREOATHETOSIS AND CONGENITAL HYPOTHYROIDISM WITH PULMONARY DYSFUNCTION. Identifiers: Orphanet 209905, MedGen C1970269, MONDO:0012593, OMIM 610978.

Submissions (5):

Variantyx, Inc.
Classification: Pathogenic for Brain-lung-thyroid syndrome. Last evaluated: 2025-03-04. Review status: criteria provided, single submitter. Criteria: Variantyx Assertion Criteria 2022. Collection method: clinical testing. Allele origin: germline. Inheritance: Autosomal dominant inheritance. Affected: yes.
Comment: This is a nonsense variant in the NKX2-1 gene (OMIM: 600635). Pathogenic variants in this gene have been associated with autosomal dominant choreoathetosis, hypothyroidism, and neonatal respiratory distress. This variant introduces a premature termination codon in exon 3 out of 3 and is expected to result in loss of function, which is a known disease mechanism for NKX2-1 in this disorder (PMID: 15955952, 18788921, 27066577) (PVS1). This variant has been reported in at least 2 unrelated affected individual(s(PMID: 18788921, 27066577) (PS4_Moderate), while it is absent from control populations (PM2). Inter- and intrafamilial clinical variability has been described for autosomal dominant choreoathetosis, hypothyroidism, and neonatal respiratory distress (PMID:¬†24555207, 24714694). Based on the current evidence, this variant is classified as pathogenic for autosomal dominant choreoathetosis, hypothyroidism, and neonatal respiratory distress.

GeneDx
Classification: Pathogenic. Last evaluated: 2022-10-20. Review status: criteria provided, single submitter. Criteria: GeneDx Variant Classification Process June 2021. Collection method: clinical testing. Allele origin: germline. Affected: yes.
Comment: Reported in unrelated patients with benign hereditary chorea referred for genetic testing at GeneDx and in the published literature (Ferrara et al., 2008; Salvatore et al., 2010); Nonsense variant predicted to result in protein truncation, as the last 227 amino acids are lost, and other loss-of-function variants have been reported downstream in HGMD; Published functional studies demonstrate p.(S175*) renders the NKX2-1 protein unable to translocate into the nucleus (Ferrara et al., 2008); Not observed at significant frequency in large population cohorts (gnomAD); This variant is associated with the following publications: (PMID: 24555207, 20544814, 18788921, 27066577)

Labcorp Genetics (formerly Invitae), Labcorp
Classification: Pathogenic. Last evaluated: 2021-12-23. Review status: criteria provided, single submitter. Criteria: Invitae Variant Classification Sherloc (09022015). Collection method: clinical testing. Allele origin: germline.
Comment: This variant is also known as c.609C>A (p.S145X). ClinVar contains an entry for this variant (Variation ID: 217884). Algorithms developed to predict the effect of variants on protein structure and function are not available or were not evaluated for this variant. Experimental studies have shown that this premature translational stop signal affects NKX2-1 function (PMID: 18788921). For these reasons, this variant has been classified as Pathogenic. This premature translational stop signal has been observed in individual(s) with NKX2-1 related conditions (PMID: 18788921, 27066577). In at least one individual the variant was observed to be de novo. It has also been observed to segregate with disease in related individuals. This sequence change creates a premature translational stop signal (p.Ser175*) in the NKX2-1 gene. While this is not anticipated to result in nonsense mediated decay, it is expected to disrupt the last 227 amino acid(s) of the NKX2-1 protein. This variant is not present in population databases (gnomAD no frequency).

Centre of Medical Genetics, University Hospital Muenster
Classification: Pathogenic. Last evaluated: 2021-12-20. Review status: criteria provided, single submitter. Criteria: ACMG Guidelines, 2015. Collection method: clinical testing. Allele origin: unknown. Affected: yes. Observed: 1 variant allele, 1 heterozygote.
Comment: ACMG categories: PVS1,PM2,PP5

Mendelics
Classification: Pathogenic for Brain-lung-thyroid syndrome. Last evaluated: 2014-08-01. Review status: no assertion criteria provided. Collection method: clinical testing. Allele origin: de novo. Affected: yes. Not counted in ClinVar's aggregate classification.

Literature cited by the submitters: PubMed 15955952 (cited by Variantyx, Inc.); PubMed 18788921 (cited by 3 submitters); PubMed 27066577 (cited by Variantyx, Inc. and Labcorp Genetics (formerly Invitae), Labcorp); PubMed 24555207 (cited by Mendelics).